The following is an entry in ClinVar:

ClinVar aggregate classification (germline): Uncertain significance. Review status: criteria provided, multiple submitters, no conflicts (2 of 4 stars). 2 submissions from 2 submitters: Uncertain significance (2). Last evaluated 2025-12-10.

Conditions:
Fanconi anemia (FA). Also called: Fanconi's anemia. Identifiers: Orphanet 84, MedGen C0015625, MeSH D005199, MONDO:0019391.

Allele frequency attached by ClinVar (database versions not stated): TOPMed 0.00002.
gnomAD v4.1: 7 of 1,613,660 alleles (0.00043%); highest among the groups gnomAD compares: Middle Eastern, 0.017%; no homozygotes.

Submissions (2):

Labcorp Genetics (formerly Invitae), Labcorp
Classification: Uncertain significance for Fanconi anemia. Last evaluated: 2025-12-10. Review status: criteria provided, single submitter. Criteria: Invitae Variant Classification Sherloc (09022015). Collection method: clinical testing. Allele origin: germline.
Comment: This sequence change replaces arginine, which is basic and polar, with cysteine, which is neutral and slightly polar, at codon 1196 of the FANCM protein (p.Arg1196Cys). This variant is not present in population databases (gnomAD no frequency). This variant has not been reported in the literature in individuals affected with FANCM-related conditions. ClinVar contains an entry for this variant (Variation ID: 854146). An algorithm developed to predict the effect of missense changes on protein structure and function outputs the following: PolyPhen-2: "Benign". The cysteine amino acid residue is found in multiple mammalian species, which suggests that this missense change does not adversely affect protein function. In summary, the available evidence is currently insufficient to determine the role of this variant in disease. Therefore, it has been classified as a Variant of Uncertain Significance.

GeneDx
Classification: Uncertain significance. Last evaluated: 2023-03-29. Review status: criteria provided, single submitter. Criteria: GeneDx Variant Classification Process June 2021. Collection method: clinical testing. Allele origin: germline. Affected: yes.
Comment: Not observed at significant frequency in large population cohorts (gnomAD); In silico analysis supports that this missense variant does not alter protein structure/function; Observed in an individual with breast cancer and a small bowel neuroendocrine tumor (Larouche et al., 2019); This variant is associated with the following publications: (PMID: 31592449)

NM_020937.4(FANCM):c.3586C>T (p.Arg1196Cys)

Gene: FANCM (FA complementation group M; plus strand). Cytogenetic location: 14q21.2.
Variant type: single nucleotide variant.
Coding change: c.3586C>T on transcript NM_020937.4 (MANE Select); coding-DNA position 3586, C replaced by T.
Protein change: p.Arg1196Cys; replaces arginine 1196 with cysteine.
Molecular consequence: missense variant.
Genome position (GRCh38, 1-based): chr14:45,176,340, C>T. VCF-style: chr14-45176340-C-T. GRCh37 (hg19) VCF-style: chr14-45645543-C-T.
Other names: c.3508C>T, p.Arg1170Cys (NM_001308133.2); short protein forms R1196C, R1170C.
Identifiers: ClinVar variation 854146 (VCV000854146.10), dbSNP rs1360072407, ClinGen allele CA389602178.